The following is an entry in ClinVar:

NM_024422.6(DSC2):c.1321_1329del (p.Ala441_Phe443del)

Gene: DSC2 (desmocollin 2; minus strand). Cytogenetic location: 18q12.1.
Variant type: Deletion.
Coding change: c.1321_1329del on transcript NM_024422.6 (MANE Select); coding-DNA positions 1321 to 1329, 9 bases deleted (GCTCCATTT; older notation c.1321_1329delGCTCCATTT).
Protein change: p.Ala441_Phe443del.
Molecular consequence: inframe deletion.
Genome position (GRCh38, 1-based): chr18:31,080,287-31,080,295, AAATGGAGC deleted on the plus strand (GCTCCATTT on the coding strand, the reverse complement: DSC2 is on the minus strand). VCF-style (leftmost placement, unchanged base first): chr18-31080286-AAAATGGAGC-A. GRCh37 (hg19) VCF-style: chr18-28660252-AAAATGGAGC-A.
Other names: c.1321_1329del, p.Ala441_Phe443del (NM_004949.5); c.1321_1329delGCTCCATTT (NM_024422.3).
Identifiers: ClinVar variation 846339 (VCV000846339.10), dbSNP rs1987173347, ClinGen allele CA916081931.

ClinVar aggregate classification (germline): Uncertain significance. Review status: criteria provided, multiple submitters, no conflicts (2 of 4 stars). 2 submissions from 2 submitters: Uncertain significance (2). Last evaluated 2026-08-19.

Conditions:
Arrhythmogenic right ventricular dysplasia 11. Also called: Arrhythmogenic Right Ventricular Dysplasia/Cardiomyopathy11; Arrhythmogenic right ventricular dysplasia 11 with mild palmoplantar keratoderma and woolly hair; ARRHYTHMOGENIC RIGHT VENTRICULAR DYSPLASIA, FAMILIAL, 11. Identifiers: MedGen C1864850, MONDO:0012506, OMIM 610476.
Cardiovascular phenotype. Identifiers: MedGen CN230736.

Submissions (2):

Ambry Genetics
Classification: Uncertain significance for Cardiovascular phenotype. Last evaluated: 2026-08-19. Review status: criteria provided, single submitter. Criteria: Ambry Variant Classification Scheme 2023. Collection method: clinical testing. Allele origin: germline.
Comment: The c.1321_1329delGCTCCATTT variant (also known as p.A441_F443del) is located in coding exon 10 of the DSC2 gene. This variant results from an in-frame GCTCCATTT deletion at nucleotide positions 1321 to 1329. This results in the in-frame deletion of three amino acids at codons 441 to 443. This amino acid region ranges from well conserved to poorly conserved in available vertebrate species. In addition, this variant is predicted to be deleterious by in silico analysis (Choi Y et al. PLoS ONE. 2012; 7(10):e46688). Based on the available evidence, the clinical significance of this variant remains unclear.

Labcorp Genetics (formerly Invitae), Labcorp
Classification: Uncertain significance for Arrhythmogenic right ventricular dysplasia 11. Last evaluated: 2022-02-04. Review status: criteria provided, single submitter. Criteria: Invitae Variant Classification Sherloc (09022015). Collection method: clinical testing. Allele origin: germline.
Comment: This variant, c.1321_1329del, results in the deletion of 3 amino acid(s) of the DSC2 protein (p.Ala441_Phe443del), but otherwise preserves the integrity of the reading frame. This variant is not present in population databases (gnomAD no frequency). This variant has not been reported in the literature in individuals affected with DSC2-related conditions. ClinVar contains an entry for this variant (Variation ID: 846339). Experimental studies and prediction algorithms are not available or were not evaluated, and the functional significance of this variant is currently unknown. In summary, the available evidence is currently insufficient to determine the role of this variant in disease. Therefore, it has been classified as a Variant of Uncertain Significance.